The following is an entry in ClinVar:

NM_024753.5(TTC21B):c.40T>G (p.Cys14Gly)

Gene: TTC21B (tetratricopeptide repeat domain 21B; minus strand). Cytogenetic location: 2q24.3.
Variant type: single nucleotide variant.
Coding change: c.40T>G on transcript NM_024753.5 (MANE Select); coding-DNA position 40, T replaced by G.
Protein change: p.Cys14Gly; replaces cysteine 14 with glycine.
Molecular consequence: missense variant.
Genome position (GRCh38, 1-based): chr2:165,949,706, A>C on the plus strand (T>G on the coding strand, the complement: TTC21B is on the minus strand). VCF-style: chr2-165949706-A-C. GRCh37 (hg19) VCF-style: chr2-166806216-A-C.
Other names: short protein forms C14G.
Identifiers: ClinVar variation 1418076 (VCV001418076.6), dbSNP rs780354129, ClinGen allele CA349056530.

ClinVar aggregate classification (germline): Uncertain significance (1 of 4 stars; one submission).

Conditions:
Jeune thoracic dystrophy. Also called: Short-rib thoracic dysplasia; Jeune syndrome; Infantile thoracic dystrophy; Thoracic pelvic phalangeal dystrophy; Jeune's syndrome; Chondroectodermal dysplasia-like syndrome. Identifiers: Orphanet 474, MedGen C0265275, MONDO:0018770.
Nephronophthisis. Also called: Juvenile Nephronophthisis. Identifiers: Orphanet 655, MedGen C0687120, MONDO:0019005, HP:0000090.

gnomAD v4.1: 2 of 1,611,600 alleles (0.00012%); highest among the groups gnomAD compares: Non-Finnish European, 0.000085%; no homozygotes.

Submission:

Labcorp Genetics (formerly Invitae), Labcorp
Classification: Uncertain significance for Jeune thoracic dystrophy; Nephronophthisis. Last evaluated: 2021-10-02. Review status: criteria provided, single submitter. Criteria: Invitae Variant Classification Sherloc (09022015). Collection method: clinical testing. Allele origin: germline.
Comment: Algorithms developed to predict the effect of missense changes on protein structure and function are either unavailable or do not agree on the potential impact of this missense change (SIFT: "Tolerated"; PolyPhen-2: "Probably Damaging"; Align-GVGD: "Class C0"). In summary, the available evidence is currently insufficient to determine the role of this variant in disease. Therefore, it has been classified as a Variant of Uncertain Significance. This variant has not been reported in the literature in individuals affected with TTC21B-related conditions. This variant is not present in population databases (ExAC no frequency). This sequence change replaces cysteine with glycine at codon 14 of the TTC21B protein (p.Cys14Gly). The cysteine residue is highly conserved and there is a large physicochemical difference between cysteine and glycine.